The following is an entry in ClinVar:

Single allele

Genes: GBE1 (1,4-alpha-glucan branching enzyme 1; minus strand), LOC123002309 (Sharpr-MPRA regulatory region 13148; plus strand), LOC129937076 (ATAC-STARR-seq lymphoblastoid silent region 14538; plus strand). Cytogenetic location: 3p12.2.
Variant type: Deletion.
Identifiers: ClinVar variation 4056483 (VCV004056483.1).

ClinVar aggregate classification (germline): Likely pathogenic (1 of 4 stars; one submission).

Conditions:
Glycogen storage disease, type IV (GSD4). Also called: AMYLOPECTINOSIS; ANDERSEN DISEASE; BRANCHER DEFICIENCY; CIRRHOSIS, FAMILIAL, WITH DEPOSITION OF ABNORMAL GLYCOGEN; GBE1 DEFICIENCY; GLYCOGEN BRANCHING ENZYME DEFICIENCY. Identifiers: Orphanet 367, MedGen C0017923, MONDO:0009292, OMIM 232500.

Submission:

Broad Center for Mendelian Genomics, Broad Institute of MIT and Harvard
Classification: Likely pathogenic for Glycogen storage disease, type IV. Last evaluated: 2025-06-06. Review status: criteria provided, single submitter. Criteria: ACMG/ClinGen CNV Guidelines, 2019. Collection method: curation. Allele origin: unknown. Inheritance: Autosomal recessive inheritance.
Comment: The exon 2-16 deletion variant in GBE1 has been identified in 1 individual with glycogen storage disease IV (GSD IV) (PMID: 15019703), and has been identified in 0.003% (2/59088) of European (non-Finnish) chromosomes by the Genome Aggregation Database (gnomAD). Although this variant has been seen in the general population in a heterozygous state, its frequency is low enough to be consistent with a recessive carrier frequency. This variant has also been reported in ClinVar (Variation ID: 2783) and has been interpreted as likely pathogenic by Invitae. There is partial overlap with the 3’ end of the GBE1 gene including coding sequence. Loss of function of GBE1 is an established disease mechanism in autosomal recessive GSD IV. In summary, although additional studies are required to fully establish its clinical significance, this variant is likely pathogenic for autosomal recessive GSD IV. The ACMG/ClinGen evidence codes and points used in this curation are as follows: 1: 0 points, 2: 0.90 points, 3: 0 points, 4-5: 0 points; Total: 0.9 points; Riggs 2020 (PMID: 31690835).

Literature cited by the submitters: PubMed 15019703.